The following is an entry in ClinVar:

NM_001164508.2(NEB):c.23819_23820del (p.Gln7940fs)

Genes: NEB (nebulin; minus strand), RIF1 (replication timing regulatory factor 1; plus strand). Cytogenetic location: 2q23.3.
Variant type: Deletion.
Coding change: c.23819_23820del on transcript NM_001164508.2 (MANE Select); coding-DNA positions 23819 to 23820, 2 bases deleted (AA; older notation c.23819_23820delAA).
Protein change: p.Gln7940fs; shifts the reading frame from glutamine 7940.
Molecular consequence: frameshift variant.
Genome position (GRCh38, 1-based): chr2:151,503,364-151,503,365, TT deleted on the plus strand (AA on the coding strand, the reverse complement: NEB is on the minus strand). VCF-style (leftmost placement, unchanged base first): chr2-151503363-CTT-C. GRCh37 (hg19) VCF-style: chr2-152359877-CTT-C.
Other names: c.23819_23820del, p.Gln7940fs (NM_001164507.2); c.23924_23925del, p.Gln7975fs (NM_001271208.2); c.18716_18717del, p.Gln6239fs (NM_004543.5); short protein forms Q6239fs, Q7940fs, Q7975fs.
Identifiers: ClinVar variation 4805838 (VCV004805838.1).

ClinVar aggregate classification (germline): Pathogenic (1 of 4 stars; one submission).

Conditions:
Nemaline myopathy 2 (NEM2). Also called: Nemaline myopathy 2, autosomal recessive. Identifiers: MedGen C1850569, MONDO:0009725, OMIM 256030.

Submission:

Labcorp Genetics (formerly Invitae), Labcorp
Classification: Pathogenic for Nemaline myopathy 2. Last evaluated: 2026-01-28. Review status: criteria provided, single submitter. Criteria: Invitae Variant Classification Sherloc (09022015). Collection method: clinical testing. Allele origin: germline.
Comment: This sequence change creates a premature translational stop signal (p.Gln7975Argfs*4) in the NEB gene. It is expected to result in an absent or disrupted protein product. Loss-of-function variants in NEB are known to be pathogenic (PMID: 25205138). This variant is not present in population databases (gnomAD no frequency). This variant has not been reported in the literature in individuals affected with NEB-related conditions. Algorithms developed to predict the effect of sequence changes on RNA splicing suggest that this variant may disrupt the consensus splice site. For these reasons, this variant has been classified as Pathogenic.

Literature cited by the submitters: PubMed 25205138.